The following is an entry in ClinVar:

NM_022356.4(P3H1):c.2104G>A (p.Glu702Lys)

Gene: P3H1 (prolyl 3-hydroxylase 1; minus strand). Cytogenetic location: 1p34.2.
Variant type: single nucleotide variant.
Coding change: c.2104G>A on transcript NM_022356.4 (MANE Select); coding-DNA position 2104, G replaced by A.
Protein change: p.Glu702Lys; replaces glutamic acid 702 with lysine.
Molecular consequence: missense variant. On other transcripts: 3 prime UTR variant (2).
Genome position (GRCh38, 1-based): chr1:42,746,804, C>T on the plus strand (G>A on the coding strand, the complement: P3H1 is on the minus strand). VCF-style: chr1-42746804-C-T. GRCh37 (hg19) VCF-style: chr1-43212475-C-T.
Other names: c.*29G>A (NM_001146289.2); c.*108G>A (NM_001243246.2); short protein forms E702K.
Identifiers: ClinVar variation 546430 (VCV000546430.6), dbSNP rs565510744, ClinGen allele CA801522.

ClinVar aggregate classification (germline): Uncertain significance. Review status: criteria provided, multiple submitters, no conflicts (2 of 4 stars). 3 submissions from 3 submitters: Uncertain significance (3). Last evaluated 2025-10-08.

Conditions:
Inborn genetic diseases. Identifiers: MedGen C0950123, MeSH D030342.
Osteogenesis imperfecta type 8 (OI8). Identifiers: MedGen C1970458, MONDO:0012581, OMIM 610915.

Allele frequency attached by ClinVar (database versions not stated): gnomAD exomes 0.00001 and 0.00002; gnomAD 0.00002 and 0.00003; TOPMed 0.00003; ExAC 0.00007.
gnomAD v4.1: 17 of 1,596,434 alleles (0.0011%); highest among the groups gnomAD compares: Middle Eastern, 0.017%; no homozygotes.

Submissions (3):

Ambry Genetics
Classification: Uncertain significance for Inborn genetic diseases. Last evaluated: 2025-10-08. Review status: criteria provided, single submitter. Criteria: Ambry Variant Classification Scheme 2023. Collection method: clinical testing. Allele origin: germline.

Genome-Nilou Lab
Classification: Uncertain significance for Osteogenesis imperfecta type 8. Last evaluated: 2023-04-11. Review status: criteria provided, single submitter. Criteria: ACMG Guidelines, 2015. Collection method: clinical testing. Allele origin: germline. Affected: no.

GeneDx
Classification: Uncertain significance. Last evaluated: 2018-05-23. Review status: criteria provided, single submitter. Criteria: GeneDx Variant Classification (06012015). Collection method: clinical testing. Allele origin: germline. Affected: yes.
Comment: The E702K variant has not been published as a pathogenic variant, nor has it been reported as a benign variant to our knowledge. The E702K variant is observed in 4/215588 (0.0019%) alleles in large population cohorts (Lek et al., 2016). The E702K variant is a non-conservative amino acid substitution, which is likely to impact secondary protein structure as these residues differ in polarity, charge, size and/or other properties. In-silico analyses, including protein predictors and evolutionary conservation, support that this variant does not alter protein structure/function. In summary, based on the currently available information, it is unclear whether this variant is a pathogenic variant or a rare benign variant.